The following is an entry in ClinVar:

NM_000540.3(RYR1):c.2500C>T (p.Arg834Trp)

Gene: RYR1 (ryanodine receptor 1; plus strand). Cytogenetic location: 19q13.2.
Variant type: single nucleotide variant.
Coding change: c.2500C>T on transcript NM_000540.3 (MANE Select); coding-DNA position 2500, C replaced by T.
Protein change: p.Arg834Trp; replaces arginine 834 with tryptophan.
Molecular consequence: missense variant.
Genome position (GRCh38, 1-based): chr19:38,460,514, C>T. VCF-style: chr19-38460514-C-T. GRCh37 (hg19) VCF-style: chr19-38951154-C-T.
Other names: c.2500C>T, p.Arg834Trp (NM_001042723.2); short protein forms R834W.
Identifiers: ClinVar variation 944075 (VCV000944075.10), dbSNP rs140686309, ClinGen allele CA063347.
Genomic context (GRCh38, chr19:38,460,514, plus strand): 5'-GTGCTCCCTCGAGAGCGACTCCATCTTGAACCCATCAAGGAGTATCGACGGGAGGGGCCC[C>T]GGGGGCCTCACCTGGTGGGCCCCAGTCGCTGCCTCTCACACACCGACTTCGTGCCCTGCC-3'
Protein context (NP_000531.2, residues 824-844): PIKEYRREGP[Arg834Trp]GPHLVGPSRC

ClinVar aggregate classification (germline): Uncertain significance. Review status: criteria provided, multiple submitters, no conflicts (2 of 4 stars). 4 submissions from 4 submitters: Uncertain significance (4). Last evaluated 2025-09-16.

Conditions:
RYR1-related disorder. Also called: RYR1-related disorders; RYR1-related condition. Identifiers: MedGen CN239331.
Congenital multicore myopathy with external ophthalmoplegia (CMYO1B). Also called: Congenital myopathy 1B, autosomal recessive; Minicore myopathy; MULTIMINICORE DISEASE WITH EXTERNAL OPHTHALMOPLEGIA; MULTICORE MYOPATHY; Minicore myopathy with external ophthalmoplegia. Identifiers: Orphanet 598, Orphanet 98905, MedGen C1850674, MONDO:0009712, OMIM 255320, HP:0003789.
King Denborough syndrome (KDS). Identifiers: MedGen C1840365, MONDO:0020485, OMIM 619542.
Malignant hyperthermia, susceptibility to, 1 (MHS1). Also called: Malignant hyperthermia suceptibility 1; RYR1-Related Malignant Hyperthermia Susceptibility; Anesthesia related hyperthermia; Malignant hyperpyrexia; Fulminating hyperpyrexia; Pharmacogenic myopathy. Identifiers: Orphanet 423, MedGen C2930980, MONDO:0007783, OMIM 145600.
Central core myopathy (CMYO1A). Also called: CONGENITAL MYOPATHY 1A, AUTOSOMAL DOMINANT, WITH SUSCEPTIBILITY TO MALIGNANT HYPERTHERMIA; Central core disease; Myopathy, central fibrillar. Identifiers: Orphanet 597, MedGen C5830701, MONDO:0007294, OMIM 117000.
Congenital myopathy with fiber type disproportion. Also called: Congenital fiber-type disproportion myopathy; Congenital fiber-type disproportion. Identifiers: Orphanet 2020, MedGen C0546264, MONDO:0009711. Inheritance: all.

Allele frequency attached by ClinVar (database versions not stated): ExAC 0.00005; gnomAD 0.00005; TOPMed 0.00005; ESP Exome Variant Server 0.00023.

Submissions (4):

Labcorp Genetics (formerly Invitae), Labcorp
Classification: Uncertain significance for RYR1-related disorder. Last evaluated: 2025-09-16. Review status: criteria provided, single submitter. Criteria: Invitae Variant Classification Sherloc (09022015). Collection method: clinical testing. Allele origin: germline.
Comment: This sequence change replaces arginine, which is basic and polar, with tryptophan, which is neutral and slightly polar, at codon 834 of the RYR1 protein (p.Arg834Trp). This variant is present in population databases (rs140686309, gnomAD 0.008%). This variant has not been reported in the literature in individuals affected with RYR1-related conditions. ClinVar contains an entry for this variant (Variation ID: 944075). Invitae Evidence Modeling of protein sequence and biophysical properties (such as structural, functional, and spatial information, amino acid conservation, physicochemical variation, residue mobility, and thermodynamic stability) indicates that this missense variant is not expected to disrupt RYR1 protein function with a negative predictive value of 95%. In summary, the available evidence is currently insufficient to determine the role of this variant in disease. Therefore, it has been classified as a Variant of Uncertain Significance.

Color Diagnostics, LLC DBA Color Health
Classification: Uncertain significance for Malignant hyperthermia, susceptibility to, 1. Last evaluated: 2024-04-25. Review status: criteria provided, single submitter. Criteria: ACMG Guidelines, 2015. Collection method: clinical testing. Allele origin: germline.
Comment: This missense variant replaces arginine with tryptophan at codon 834 of the RYR1 protein. Computational prediction suggests that this variant may not impact protein structure and function. To our knowledge, functional studies have not been reported for this variant. This variant has not been reported in individuals affected with RYR1-related disorders in the literature. This variant has been identified in 13/282592 chromosomes in the general population by the Genome Aggregation Database (gnomAD). The available evidence is insufficient to determine the role of this variant in disease conclusively. Therefore, this variant is classified as a Variant of Uncertain Significance.

GeneDx
Classification: Uncertain significance. Last evaluated: 2022-12-28. Review status: criteria provided, single submitter. Criteria: GeneDx Variant Classification Process June 2021. Collection method: clinical testing. Allele origin: germline. Affected: yes.
Comment: Not observed at significant frequency in large population cohorts (gnomAD); In silico analysis supports that this missense variant does not alter protein structure/function; Has not been previously published as pathogenic or benign to our knowledge

Fulgent Genetics
Classification: Uncertain significance for Central core myopathy; Malignant hyperthermia, susceptibility to, 1; Congenital myopathy 4A, autosomal dominant; Congenital multicore myopathy with external ophthalmoplegia; King Denborough syndrome. Last evaluated: 2021-09-02. Review status: criteria provided, single submitter. Criteria: ACMG Guidelines, 2015. Collection method: clinical testing. Allele origin: unknown.